The following is an entry in ClinVar:

NM_001267550.2(TTN):c.61596T>C (p.Val20532=)

Genes: TTN (titin; minus strand), TTN-AS1 (TTN antisense RNA 1; plus strand). Cytogenetic location: 2q31.2.
Variant type: single nucleotide variant.
Coding change: c.61596T>C on transcript NM_001267550.2 (MANE Select); coding-DNA position 61596, T replaced by C.
Protein change: p.Val20532=; no amino-acid change (valine 20532 retained).
Molecular consequence: synonymous variant.
Genome position (GRCh38, 1-based): chr2:178,590,129, A>G on the plus strand (T>C on the coding strand, the complement: TTN is on the minus strand). VCF-style: chr2-178590129-A-G. GRCh37 (hg19) VCF-style: chr2-179454856-A-G.
Other names: c.56673T>C, p.Val18891= (NM_001256850.1); c.34401T>C, p.Val11467= (NM_003319.4); c.53892T>C, p.Val17964= (NM_133378.4); c.34776T>C, p.Val11592= (NM_133432.3); c.34977T>C, p.Val11659= (NM_133437.4).
Identifiers: ClinVar variation 1145934 (VCV001145934.14), dbSNP rs2154184195, ClinGen allele CA430265807.

ClinVar aggregate classification (germline): Likely benign. Review status: criteria provided, multiple submitters, no conflicts (2 of 4 stars). 3 submissions from 3 submitters: Likely benign (3). Last evaluated 2026-09-14.

Conditions:
Dilated cardiomyopathy 1G (CMD1G). Identifiers: Orphanet 154, MedGen C1858763, MONDO:0011400, OMIM 604145.
Autosomal recessive limb-girdle muscular dystrophy type 2J (LGMDR10). Also called: MUSCULAR DYSTROPHY, LIMB-GIRDLE, AUTOSOMAL RECESSIVE 10; Limb-girdle muscular dystrophy, type 2J. Identifiers: Orphanet 140922, MedGen C1837342, MONDO:0012127, OMIM 608807.
Cardiovascular phenotype. Identifiers: MedGen CN230736.

gnomAD v4.1: 12 of 1,613,246 alleles (0.00074%); highest among the groups gnomAD compares: Non-Finnish European, 0.00093%; no homozygotes.

Submissions (3):

Ambry Genetics
Classification: Likely benign for Cardiovascular phenotype. Last evaluated: 2026-09-14. Review status: criteria provided, single submitter. Criteria: Ambry Variant Classification Scheme 2023. Collection method: clinical testing. Allele origin: germline.

CeGaT Center for Human Genetics Tuebingen
Classification: Likely benign. Last evaluated: 2026-01-01. Review status: criteria provided, single submitter. Criteria: CeGaT Center For Human Genetics Tuebingen Variant Classification Criteria Version 2. Collection method: clinical testing. Allele origin: germline. Affected: yes. Observed: 1 variant allele.
Comment: TTN: BP4, BP7

Labcorp Genetics (formerly Invitae), Labcorp
Classification: Likely benign for Dilated cardiomyopathy 1G; Autosomal recessive limb-girdle muscular dystrophy type 2J. Last evaluated: 2023-08-20. Review status: criteria provided, single submitter. Criteria: Invitae Variant Classification Sherloc (09022015). Collection method: clinical testing. Allele origin: germline.